The following is an entry in ClinVar:

NM_002645.4(PIK3C2A):c.218A>G (p.Tyr73Cys)

Gene: PIK3C2A (phosphatidylinositol-4-phosphate 3-kinase catalytic subunit type 2 alpha; minus strand). Cytogenetic location: 11p15.1.
Variant type: single nucleotide variant.
Coding change: c.218A>G on transcript NM_002645.4 (MANE Select); coding-DNA position 218, A replaced by G.
Protein change: p.Tyr73Cys; replaces tyrosine 73 with cysteine.
Molecular consequence: missense variant. On other transcripts: intron variant (1).
Genome position (GRCh38, 1-based): chr11:17,169,524, T>C on the plus strand (A>G on the coding strand, the complement: PIK3C2A is on the minus strand). VCF-style: chr11-17169524-T-C. GRCh37 (hg19) VCF-style: chr11-17191071-T-C.
Other names: c.218A>G, p.Tyr73Cys (NM_001321378.2, NM_001386870.1); c.-75-13895A>G (NM_001321380.2); short protein forms Y73C.
Identifiers: ClinVar variation 1914613 (VCV001914613.5), dbSNP rs143984507, ClinGen allele CA5901607.

ClinVar aggregate classification (germline): Uncertain significance (1 of 4 stars; one submission).

Allele frequency attached by ClinVar (database versions not stated): gnomAD exomes 0.00001; ExAC 0.00006; gnomAD 0.00019; TOPMed 0.00022; ESP Exome Variant Server 0.00023.
gnomAD v4.1: 40 of 1,613,982 alleles (0.0025%); highest among the groups gnomAD compares: African/African-American, 0.049%; no homozygotes.

Submission:

Labcorp Genetics (formerly Invitae), Labcorp
Classification: Uncertain significance. Last evaluated: 2025-08-15. Review status: criteria provided, single submitter. Criteria: Invitae Variant Classification Sherloc (09022015). Collection method: clinical testing. Allele origin: germline.
Comment: This sequence change replaces tyrosine, which is neutral and polar, with cysteine, which is neutral and slightly polar, at codon 73 of the PIK3C2A protein (p.Tyr73Cys). This variant is present in population databases (rs143984507, gnomAD 0.06%). This variant has not been reported in the literature in individuals affected with PIK3C2A-related conditions. ClinVar contains an entry for this variant (Variation ID: 1914613). An algorithm developed to predict the effect of missense changes on protein structure and function (PolyPhen-2) suggests that this variant is likely to be disruptive. In summary, the available evidence is currently insufficient to determine the role of this variant in disease. Therefore, it has been classified as a Variant of Uncertain Significance.